The following is an entry in ClinVar:

ClinVar aggregate classification (germline): Uncertain significance (1 of 4 stars; one submission).

Conditions:
Hereditary cancer-predisposing syndrome. Also called: Neoplastic Syndromes, Hereditary; Tumor predisposition; Hereditary Cancer Syndrome; Hereditary neoplastic syndrome. Identifiers: Orphanet 140162, MedGen C0027672, MeSH D009386, MONDO:0015356.

gnomAD v4.1: 1 of 1,613,974 alleles (0.000062%); highest among the groups gnomAD compares: East Asian, 0.0022%; no homozygotes.

Submission:

Ambry Genetics
Classification: Uncertain significance for Hereditary cancer-predisposing syndrome. Last evaluated: 2026-01-14. Review status: criteria provided, single submitter. Criteria: Ambry Variant Classification Scheme 2023. Collection method: clinical testing. Allele origin: germline.
Comment: The p.C443G variant (also known as c.1327T>G), located in coding exon 10 of the SDHA gene, results from a T to G substitution at nucleotide position 1327. The cysteine at codon 443 is replaced by glycine, an amino acid with highly dissimilar properties. This amino acid position is conserved. In addition, the in silico prediction for this alteration is inconclusive. Based on the available evidence, the clinical significance of this variant remains unclear.

NM_004168.4(SDHA):c.1327T>G (p.Cys443Gly)

Gene: SDHA (succinate dehydrogenase complex flavoprotein subunit A; plus strand). Cytogenetic location: 5p15.33.
Variant type: single nucleotide variant.
Coding change: c.1327T>G on transcript NM_004168.4 (MANE Select); coding-DNA position 1327, T replaced by G.
Protein change: p.Cys443Gly; replaces cysteine 443 with glycine.
Molecular consequence: missense variant.
Genome position (GRCh38, 1-based): chr5:236,494, T>G. VCF-style: chr5-236494-T-G. GRCh37 (hg19) VCF-style: chr5-236609-T-G.
Other names: c.1183T>G, p.Cys395Gly (NM_001294332.2); c.1327T>G, p.Cys443Gly (NM_001330758.2); short protein forms C395G, C443G.
Identifiers: ClinVar variation 4843560 (VCV004843560.1).